The following is an entry in ClinVar:

ClinVar aggregate classification (germline): Uncertain significance. Review status: criteria provided, multiple submitters, no conflicts (2 of 4 stars). 2 submissions from 2 submitters: Uncertain significance (2). Last evaluated 2024-12-22.

Conditions:
Hereditary cancer-predisposing syndrome. Also called: Hereditary Cancer Syndrome; Hereditary neoplastic syndrome; Tumor predisposition; Neoplastic Syndromes, Hereditary. Identifiers: Orphanet 140162, MedGen C0027672, MeSH D009386, MONDO:0015356.

Allele frequency attached by ClinVar (database versions not stated): gnomAD exomes below 0.00001.

Submissions (2):

Ambry Genetics
Classification: Uncertain significance for Hereditary cancer-predisposing syndrome. Last evaluated: 2024-12-22. Review status: criteria provided, single submitter. Criteria: Ambry Variant Classification Scheme 2023. Collection method: clinical testing. Allele origin: germline.
Comment: The p.S1765F variant (also known as c.5294C>T), located in coding exon 39 of the POLE gene, results from a C to T substitution at nucleotide position 5294. The serine at codon 1765 is replaced by phenylalanine, an amino acid with highly dissimilar properties. This amino acid position is conserved. In addition, this alteration is predicted to be deleterious by in silico analysis. Based on the available evidence, the clinical significance of this variant remains unclear.

Labcorp Genetics (formerly Invitae), Labcorp
Classification: Uncertain significance. Last evaluated: 2024-06-21. Review status: criteria provided, single submitter. Criteria: Invitae Variant Classification Sherloc (09022015). Collection method: clinical testing. Allele origin: germline.
Comment: This sequence change replaces serine, which is neutral and polar, with phenylalanine, which is neutral and non-polar, at codon 1765 of the POLE protein (p.Ser1765Phe). This variant is not present in population databases (gnomAD no frequency). This variant has not been reported in the literature in individuals affected with POLE-related conditions. An algorithm developed to predict the effect of missense changes on protein structure and function (PolyPhen-2) suggests that this variant is likely to be disruptive. In summary, the available evidence is currently insufficient to determine the role of this variant in disease. Therefore, it has been classified as a Variant of Uncertain Significance.

NM_006231.4(POLE):c.5294C>T (p.Ser1765Phe)

Gene: POLE (DNA polymerase epsilon, catalytic subunit; minus strand). Cytogenetic location: 12q24.33.
Variant type: single nucleotide variant.
Coding change: c.5294C>T on transcript NM_006231.4 (MANE Select); coding-DNA position 5294, C replaced by T.
Protein change: p.Ser1765Phe; replaces serine 1765 with phenylalanine.
Molecular consequence: missense variant.
Genome position (GRCh38, 1-based): chr12:132,641,731, G>A on the plus strand (C>T on the coding strand, the complement: POLE is on the minus strand). VCF-style: chr12-132641731-G-A. GRCh37 (hg19) VCF-style: chr12-133218317-G-A.
Other names: c.5294C>T (NM_006231.2); short protein forms S1765F.
Identifiers: ClinVar variation 1399719 (VCV001399719.7), dbSNP rs2138524529, ClinGen allele CA387376099.